The following is an entry in ClinVar:

ClinVar aggregate classification (germline): Uncertain significance (1 of 4 stars; one submission).

Allele frequency attached by ClinVar (database versions not stated): gnomAD 0.00001; TOPMed 0.00002; ExAC 0.00004.
gnomAD v4.1: 62 of 1,613,982 alleles (0.0038%); highest among the groups gnomAD compares: Admixed American, 0.013%; no homozygotes.

Submission:

GeneDx
Classification: Uncertain significance. Last evaluated: 2022-04-18. Review status: criteria provided, single submitter. Criteria: GeneDx Variant Classification Process June 2021. Collection method: clinical testing. Allele origin: germline. Affected: yes.
Comment: In silico analysis supports that this missense variant does not alter protein structure/function; Has not been previously published as pathogenic or benign to our knowledge

NM_152268.4(PARS2):c.1162G>A (p.Glu388Lys)

Gene: PARS2 (prolyl-tRNA synthetase 2, mitochondrial; minus strand). Cytogenetic location: 1p32.3.
Variant type: single nucleotide variant.
Coding change: c.1162G>A on transcript NM_152268.4 (MANE Select); coding-DNA position 1162, G replaced by A.
Protein change: p.Glu388Lys; replaces glutamic acid 388 with lysine.
Molecular consequence: missense variant.
Genome position (GRCh38, 1-based): chr1:54,758,000, C>T on the plus strand (G>A on the coding strand, the complement: PARS2 is on the minus strand). VCF-style: chr1-54758000-C-T. GRCh37 (hg19) VCF-style: chr1-55223673-C-T.
Other names: short protein forms E388K.
Identifiers: ClinVar variation 1711920 (VCV001711920.2), dbSNP rs552547985, ClinGen allele CA869351.
Genomic context (GRCh38, chr1:54,758,000, plus strand): 5'-CCTCCCCGTGAAGCTGAGGCACTGCCTCTGTGATGTGGTCGTACAGCTGCCCTATGAGCT[C>T]GGAGGCCGCCTGCTCCTTACTGCCCTTCTTAGGGGGGATGAGGCAGGCTTGGTAAGGGGC-3'
Protein context (NP_689481.2, residues 378-398): KKGSKEQAAS[Glu388Lys]LIGQLYDHIT